The following is an entry in ClinVar:

ClinVar aggregate classification (germline): Uncertain significance (1 of 4 stars; one submission).

Submission:

Mayo Clinic Laboratories, Mayo Clinic
Classification: Uncertain significance. Last evaluated: 2025-09-09. Review status: criteria provided, single submitter. Criteria: ACMG Guidelines, 2015. Collection method: clinical testing. Allele origin: germline. Observed: 1 variant allele.
Comment: PP3, PM2_supporting

NM_005523.6(HOXA11):c.665C>G (p.Pro222Arg)

Genes: HOXA11 (homeobox A11; minus strand), LOC107126281 (NUP98-HOXA11 recombination region; plus strand). Cytogenetic location: 7p15.2.
Variant type: single nucleotide variant.
Coding change: c.665C>G on transcript NM_005523.6 (MANE Select); coding-DNA position 665, C replaced by G.
Protein change: p.Pro222Arg; replaces proline 222 with arginine.
Molecular consequence: missense variant.
Genome position (GRCh38, 1-based): chr7:27,184,480, G>C on the plus strand (C>G on the coding strand, the complement: HOXA11 is on the minus strand). VCF-style: chr7-27184480-G-C. GRCh37 (hg19) VCF-style: chr7-27224099-G-C.
Other names: p.Pro222Arg; short protein forms P222R.
Identifiers: ClinVar variation 4541270 (VCV004541270.1).